The following is an entry in ClinVar:

NM_001457.4(FLNB):c.775G>T (p.Ala259Ser)

Gene: FLNB (filamin B; plus strand). Cytogenetic location: 3p14.3.
Variant type: single nucleotide variant.
Coding change: c.775G>T on transcript NM_001457.4 (MANE Select); coding-DNA position 775, G replaced by T.
Protein change: p.Ala259Ser; replaces alanine 259 with serine.
Molecular consequence: missense variant.
Genome position (GRCh38, 1-based): chr3:58,081,764, G>T. VCF-style: chr3-58081764-G-T. GRCh37 (hg19) VCF-style: chr3-58067491-G-T.
Other names: c.775G>T, p.Ala259Ser (NM_001164317.2, NM_001164318.2, NM_001164319.2); short protein forms A259S.
Identifiers: ClinVar variation 2964911 (VCV002964911.3), dbSNP rs1432733529, ClinGen allele CA353334280.

ClinVar aggregate classification (germline): Uncertain significance (1 of 4 stars; one submission).

Allele frequency attached by ClinVar (database versions not stated): gnomAD exomes 0.00002.
gnomAD v4.1: 22 of 1,614,130 alleles (0.0014%); highest among the groups gnomAD compares: Non-Finnish European, 0.0019%; no homozygotes.

Submission:

Labcorp Genetics (formerly Invitae), Labcorp
Classification: Uncertain significance. Last evaluated: 2024-09-19. Review status: criteria provided, single submitter. Criteria: Invitae Variant Classification Sherloc (09022015). Collection method: clinical testing. Allele origin: germline.
Comment: This sequence change replaces alanine, which is neutral and non-polar, with serine, which is neutral and polar, at codon 259 of the FLNB protein (p.Ala259Ser). This variant is present in population databases (no rsID available, gnomAD 0.0009%). This variant has not been reported in the literature in individuals affected with FLNB-related conditions. Invitae Evidence Modeling of protein sequence and biophysical properties (such as structural, functional, and spatial information, amino acid conservation, physicochemical variation, residue mobility, and thermodynamic stability) indicates that this missense variant is not expected to disrupt FLNB protein function with a negative predictive value of 95%. In summary, the available evidence is currently insufficient to determine the role of this variant in disease. Therefore, it has been classified as a Variant of Uncertain Significance.